The following is an entry in ClinVar:

Conditions:
Breast-ovarian cancer, familial, susceptibility to, 1 (BROVCA1). Also called: BRCA1 Hereditary Breast and Ovarian Cancer; OVARIAN CANCER, SUSCEPTIBILITY TO. Identifiers: Orphanet 145, MedGen C2676676, MONDO:0011450, OMIM 604370. Disease mechanism: loss of function.

Submission:

Brotman Baty Institute, University of Washington
No classification provided (evidence only). Condition: Breast-ovarian cancer, familial 1. Review status: no classification provided. Collection method: in vitro. Allele origin: not applicable. Functional consequence: functionally_normal.
ClinVar note: "not provided" was previously submitted as the classification for the variant. However, the classification appeared to be based only on an observation of functional data so it was converted to no classification on 2025-07-30.

NM_007294.4(BRCA1):c.5373G>T (p.Val1791=)

Gene: BRCA1 (BRCA1 DNA repair associated; minus strand). Cytogenetic location: 17q21.31.
Variant type: single nucleotide variant.
Coding change: c.5373G>T on transcript NM_007294.4 (MANE Select); coding-DNA position 5373, G replaced by T.
Protein change: p.Val1791=; no amino-acid change (valine 1791 retained).
Molecular consequence: synonymous variant. On other transcripts: intron variant (19).
Genome position (GRCh38, 1-based): chr17:43,049,154, C>A on the plus strand (G>T on the coding strand, the complement: BRCA1 is on the minus strand). VCF-style: chr17-43049154-C-A. GRCh37 (hg19) VCF-style: chr17-41201171-C-A.
Other names: c.5226G>T, p.Val1742= (NM_001407851.1, NM_001407852.1, NM_001407853.1 and 12 more transcripts); c.5172G>T, p.Val1724= (NM_001407862.1); c.5169G>T, p.Val1723= (NM_001407863.1); c.5166G>T, p.Val1722= (NM_001407874.1, NM_001407875.1); c.5163G>T, p.Val1721= (NM_001407879.1, NM_001407881.1, NM_001407882.1 and 5 more transcripts); c.5160G>T, p.Val1720= (NM_001407894.1, NM_001407895.1, NM_001407896.1 and 12 more transcripts); c.5157G>T, p.Val1719= (NM_001407915.1, NM_001407916.1, NM_001407917.1 and 1 more transcripts); c.5109G>T, p.Val1703= (NM_001407920.1, NM_001407921.1, NM_001407922.1 and 4 more transcripts); and 84 more.
Identifiers: ClinVar variation 868038 (VCV000868038.3), dbSNP rs2051083029, ClinGen allele CA500143296.